The following is an entry in ClinVar:

ClinVar aggregate classification (germline): Uncertain significance (1 of 4 stars; one submission).

Allele frequency attached by ClinVar (database versions not stated): gnomAD exomes below 0.00001.
gnomAD v4.1: 3 of 1,610,822 alleles (0.00019%); highest among the groups gnomAD compares: Non-Finnish European, 0.00025%; no homozygotes.

Submission:

Labcorp Genetics (formerly Invitae), Labcorp
Classification: Uncertain significance. Last evaluated: 2023-09-05. Review status: criteria provided, single submitter. Criteria: Invitae Variant Classification Sherloc (09022015). Collection method: clinical testing. Allele origin: germline.
Comment: Advanced modeling of protein sequence and biophysical properties (such as structural, functional, and spatial information, amino acid conservation, physicochemical variation, residue mobility, and thermodynamic stability) performed at Invitae indicates that this missense variant is not expected to disrupt C3 protein function. In summary, the available evidence is currently insufficient to determine the role of this variant in disease. Therefore, it has been classified as a Variant of Uncertain Significance. This sequence change replaces proline, which is neutral and non-polar, with serine, which is neutral and polar, at codon 1074 of the C3 protein (p.Pro1074Ser). This variant is not present in population databases (gnomAD no frequency). This variant has not been reported in the literature in individuals affected with C3-related conditions.

NM_000064.4(C3):c.3220C>T (p.Pro1074Ser)

Gene: C3 (complement C3; minus strand). Cytogenetic location: 19p13.3.
Variant type: single nucleotide variant.
Coding change: c.3220C>T on transcript NM_000064.4 (MANE Select); coding-DNA position 3220, C replaced by T.
Protein change: p.Pro1074Ser; replaces proline 1074 with serine.
Molecular consequence: missense variant.
Genome position (GRCh38, 1-based): chr19:6,693,422, G>A on the plus strand (C>T on the coding strand, the complement: C3 is on the minus strand). VCF-style: chr19-6693422-G-A. GRCh37 (hg19) VCF-style: chr19-6693433-G-A.
Other names: short protein forms P1074S.
Identifiers: ClinVar variation 2778844 (VCV002778844.3), dbSNP rs2512242905, ClinGen allele CA403626998.